The following is an entry in ClinVar:

ClinVar aggregate classification (germline): Uncertain significance (1 of 4 stars; one submission).

Allele frequency attached by ClinVar (database versions not stated): gnomAD 0.00001; 1000 Genomes Project 0.00020; 1000 Genomes Project 30x 0.00031.
gnomAD v4.1: 1 of 1,613,800 alleles (0.000062%); highest among the groups gnomAD compares: Admixed American, 0.0017%; no homozygotes.

Submission:

GeneDx
Classification: Uncertain significance. Last evaluated: 2022-04-07. Review status: criteria provided, single submitter. Criteria: GeneDx Variant Classification Process June 2021. Collection method: clinical testing. Allele origin: germline. Affected: yes.
Comment: Not observed at significant frequency in large population cohorts (gnomAD); In silico analysis supports that this missense variant does not alter protein structure/function; Has not been previously published as pathogenic or benign to our knowledge

NM_001393769.1(MED12L):c.5818C>A (p.Gln1940Lys)

Gene: MED12L (mediator complex subunit 12L; plus strand). Cytogenetic location: 3q25.1.
Variant type: single nucleotide variant.
Coding change: c.5818C>A on transcript NM_001393769.1 (MANE Select); coding-DNA position 5818, C replaced by A.
Protein change: p.Gln1940Lys; replaces glutamine 1940 with lysine.
Molecular consequence: missense variant.
Genome position (GRCh38, 1-based): chr3:151,394,865, C>A. VCF-style: chr3-151394865-C-A. GRCh37 (hg19) VCF-style: chr3-151112653-C-A.
Other names: c.5713C>A, p.Gln1905Lys (NM_053002.6); short protein forms Q1905K, Q1940K.
Identifiers: ClinVar variation 1708771 (VCV001708771.2), dbSNP rs533979398, ClinGen allele CA85747508.